The following is an entry in ClinVar:

NM_002860.4(ALDH18A1):c.1773G>T (p.Glu591Asp)

Gene: ALDH18A1 (aldehyde dehydrogenase 18 family member A1; minus strand). Cytogenetic location: 10q24.1.
Variant type: single nucleotide variant.
Coding change: c.1773G>T on transcript NM_002860.4 (MANE Select); coding-DNA position 1773, G replaced by T.
Protein change: p.Glu591Asp; replaces glutamic acid 591 with aspartic acid.
Molecular consequence: missense variant.
Genome position (GRCh38, 1-based): chr10:95,613,994, C>A on the plus strand (G>T on the coding strand, the complement: ALDH18A1 is on the minus strand). VCF-style: chr10-95613994-C-A. GRCh37 (hg19) VCF-style: chr10-97373751-C-A.
Other names: c.1767G>T, p.Glu589Asp (NM_001017423.2, NM_001323415.2); c.1440G>T, p.Glu480Asp (NM_001323412.2, NM_001323416.2); c.1773G>T, p.Glu591Asp (NM_001323413.2, NM_001323414.2); c.1668G>T, p.Glu556Asp (NM_001323417.2); c.1434G>T, p.Glu478Asp (NM_001323418.2); c.1137G>T, p.Glu379Asp (NM_001323419.2); short protein forms E379D, E478D, E480D, E556D, E589D, E591D.
Identifiers: ClinVar variation 3749305 (VCV003749305.2).

ClinVar aggregate classification (germline): Uncertain significance (1 of 4 stars; one submission).

Conditions:
Cutis laxa, autosomal dominant 3 (ADCL3). Identifiers: Orphanet 90348, MedGen C4225268, MONDO:0014706, OMIM 616603.
Autosomal dominant spastic paraplegia type 9. Identifiers: MedGen C1832669, MONDO:0015091.
de Barsy syndrome. Also called: Cutis laxa-corneal clouding-oligophrenia syndrome. Identifiers: Orphanet 2962, MedGen C0268354, MONDO:0017569.

Submission:

Labcorp Genetics (formerly Invitae), Labcorp
Classification: Uncertain significance for Autosomal dominant spastic paraplegia type 9; de Barsy syndrome; Cutis laxa, autosomal dominant 3. Last evaluated: 2025-07-30. Review status: criteria provided, single submitter. Criteria: Invitae Variant Classification Sherloc (09022015). Collection method: clinical testing. Allele origin: germline.
Comment: This sequence change replaces glutamic acid, which is acidic and polar, with aspartic acid, which is acidic and polar, at codon 591 of the ALDH18A1 protein (p.Glu591Asp). This variant is not present in population databases (gnomAD no frequency). This variant has not been reported in the literature in individuals affected with ALDH18A1-related conditions. ClinVar contains an entry for this variant (Variation ID: 3749305). Invitae Evidence Modeling of protein sequence and biophysical properties (such as structural, functional, and spatial information, amino acid conservation, physicochemical variation, residue mobility, and thermodynamic stability) indicates that this missense variant is not expected to disrupt ALDH18A1 protein function with a negative predictive value of 95%. In summary, the available evidence is currently insufficient to determine the role of this variant in disease. Therefore, it has been classified as a Variant of Uncertain Significance.